The following is an entry in ClinVar:

ClinVar aggregate classification (germline): Uncertain significance (1 of 4 stars; one submission).

Allele frequency attached by ClinVar (database versions not stated): gnomAD 0.00001; TOPMed 0.00001; gnomAD exomes 0.00002; ExAC 0.00005.
gnomAD v4.1: 32 of 1,551,594 alleles (0.0021%); highest among the groups gnomAD compares: Admixed American, 0.0098%; no homozygotes.

Submission:

Labcorp Genetics (formerly Invitae), Labcorp
Classification: Uncertain significance. Last evaluated: 2025-06-12. Review status: criteria provided, single submitter. Criteria: Invitae Variant Classification Sherloc (09022015). Collection method: clinical testing. Allele origin: germline.
Comment: This sequence change replaces glycine, which is neutral and non-polar, with arginine, which is basic and polar, at codon 1087 of the GREB1L protein (p.Gly1087Arg). This variant is present in population databases (rs748881705, gnomAD 0.02%). This variant has not been reported in the literature in individuals affected with GREB1L-related conditions. ClinVar contains an entry for this variant (Variation ID: 2075995). An algorithm developed to predict the effect of missense changes on protein structure and function (PolyPhen-2) suggests that this variant is likely to be disruptive. In summary, the available evidence is currently insufficient to determine the role of this variant in disease. Therefore, it has been classified as a Variant of Uncertain Significance.

NM_001142966.3(GREB1L):c.3259G>A (p.Gly1087Arg)

Gene: GREB1L (GREB1 like retinoic acid receptor coactivator; plus strand). Cytogenetic location: 18q11.1.
Variant type: single nucleotide variant.
Coding change: c.3259G>A on transcript NM_001142966.3 (MANE Select); coding-DNA position 3259, G replaced by A.
Protein change: p.Gly1087Arg; replaces glycine 1087 with arginine.
Molecular consequence: missense variant.
Genome position (GRCh38, 1-based): chr18:21,496,566, G>A. VCF-style: chr18-21496566-G-A. GRCh37 (hg19) VCF-style: chr18-19076527-G-A.
Other names: c.3388G>A, p.Gly1130Arg (NM_001410867.1); c.2932G>A, p.Gly978Arg (NM_001410868.1); short protein forms G1130R, G1087R, G978R.
Identifiers: ClinVar variation 2075995 (VCV002075995.4), dbSNP rs748881705, ClinGen allele CA8906567.
Genomic context (GRCh38, chr18:21,496,566, plus strand): 5'-ACGGCCTTGGAGCAGGAGGTGGGTCTGGCATGCTGCTATGTCTCAAAAGAGGTCATCCGG[G>A]GACCCACTGTTGCCCTGGACCTCAGCGGGAAGGAGCAGGAGAGAGCTGCTGTCAGTGAGA-3'
Protein context (NP_001136438.1, residues 1077-1097): CCYVSKEVIR[Gly1087Arg]PTVALDLSGK